The following is an entry in ClinVar:

NM_001330260.2(SCN8A):c.4446C>T (p.Thr1482=)

Gene: SCN8A (sodium voltage-gated channel alpha subunit 8; plus strand). Cytogenetic location: 12q13.13.
Variant type: single nucleotide variant.
Coding change: c.4446C>T on transcript NM_001330260.2 (MANE Select); coding-DNA position 4446, C replaced by T.
Protein change: p.Thr1482=; no amino-acid change (threonine 1482 retained).
Molecular consequence: synonymous variant.
Genome position (GRCh38, 1-based): chr12:51,790,424, C>T. VCF-style: chr12-51790424-C-T. GRCh37 (hg19) VCF-style: chr12-52184208-C-T.
Other names: c.4323C>T, p.Thr1441= (NM_001177984.3, NM_001369788.1); c.4446C>T, p.Thr1482= (NM_014191.4).
Identifiers: ClinVar variation 386484 (VCV000386484.19), dbSNP rs374059983, ClinGen allele CA6571819.
Genomic context (GRCh38, chr12:51,790,424, plus strand): 5'-TTGTAATTGTCTGTTTTCTTCTTCCCTCCTTTACTTCGGAGGTCAGGACATCTTCATGAC[C>T]GAAGAACAGAAGAAGTACTACAATGCCATGAAAAAGCTGGGCTCAAAGAAGCCACAGAAA-3'
Protein context (NP_001317189.1, residues 1472-1492): KKFGGQDIFM[Thr1482=]EEQKKYYNAM

ClinVar aggregate classification (germline): Likely benign. Review status: criteria provided, multiple submitters, no conflicts (2 of 4 stars). 4 submissions from 4 submitters: Likely benign (4). Last evaluated 2026-02-01.

Conditions:
Early-infantile DEE. Also called: Early infantile epileptic encephalopathy; Ohtahara syndrome; Early infantile epileptic encephalopathy with suppression bursts. Identifiers: Orphanet 1934, MedGen C0393706, MONDO:0800491.
Inborn genetic diseases. Identifiers: MedGen C0950123, MeSH D030342.

Allele frequency attached by ClinVar (database versions not stated): gnomAD exomes 0.00001; ExAC 0.00003; gnomAD 0.00003; TOPMed 0.00003; ESP Exome Variant Server 0.00008.
gnomAD v4.1: 22 of 1,608,036 alleles (0.0014%); highest among the groups gnomAD compares: African/African-American, 0.0094%; no homozygotes.

Submissions (4):

CeGaT Center for Human Genetics Tuebingen
Classification: Likely benign. Last evaluated: 2026-02-01. Review status: criteria provided, single submitter. Criteria: CeGaT Center For Human Genetics Tuebingen Variant Classification Criteria Version 2. Collection method: clinical testing. Allele origin: germline. Affected: yes. Observed: 1 variant allele.
Comment: SCN8A: BP4, BP7

Labcorp Genetics (formerly Invitae), Labcorp
Classification: Likely benign for Early-infantile DEE. Last evaluated: 2025-05-04. Review status: criteria provided, single submitter. Criteria: Invitae Variant Classification Sherloc (09022015). Collection method: clinical testing. Allele origin: germline.

Ambry Genetics
Classification: Likely benign for Inborn genetic diseases. Last evaluated: 2017-04-07. Review status: criteria provided, single submitter. Criteria: Ambry Variant Classification Scheme 2023. Collection method: clinical testing. Allele origin: germline.

GeneDx
Classification: Likely benign. Last evaluated: 2016-05-27. Review status: criteria provided, single submitter. Criteria: GeneDx Variant Classification (06012015). Collection method: clinical testing. Allele origin: germline. Affected: yes.
Comment: This variant is considered likely benign or benign based on one or more of the following criteria: it is a conservative change, it occurs at a poorly conserved position in the protein, it is predicted to be benign by multiple in silico algorithms, and/or has population frequency not consistent with disease.